The following is an entry in ClinVar:

NM_000059.4(BRCA2):c.2129C>A (p.Ser710Ter)

Gene: BRCA2 (BRCA2 DNA repair associated; plus strand). Cytogenetic location: 13q13.1.
Variant type: single nucleotide variant.
Coding change: c.2129C>A on transcript NM_000059.4 (MANE Select); coding-DNA position 2129, C replaced by A.
Protein change: p.Ser710Ter; replaces serine 710 with a stop codon.
Molecular consequence: nonsense. On other transcripts: non-coding transcript variant (1), intron variant (2).
Genome position (GRCh38, 1-based): chr13:32,336,484, C>A. VCF-style: chr13-32336484-C-A. GRCh37 (hg19) VCF-style: chr13-32910621-C-A.
Other names: c.2129C>A, p.Ser710Ter (NM_001406719.1, NM_001406720.1); c.1909+3097C>A (NM_001406721.1); c.424+5454C>A (NM_001406722.1); short protein forms S710*.
Identifiers: ClinVar variation 3236921 (VCV003236921.2), dbSNP rs886040405.

ClinVar aggregate classification (germline): Pathogenic. Review status: criteria provided, multiple submitters, no conflicts (2 of 4 stars). 2 submissions from 2 submitters: Pathogenic (2). Last evaluated 2025-12-29.

Conditions:
Breast-ovarian cancer, familial, susceptibility to, 2 (BROVCA2). Also called: BRCA2 Hereditary Breast and Ovarian Cancer. Identifiers: Orphanet 145, MedGen C2675520, MONDO:0012933, OMIM 612555. Disease mechanism: loss of function.

Submissions (2):

Center for Genomic Medicine, Rigshospitalet, Copenhagen University Hospital
Classification: Pathogenic. Last evaluated: 2025-12-29. Review status: criteria provided, single submitter. Criteria: ACMG Guidelines, 2015. Collection method: clinical testing. Allele origin: germline.
Comment: Classification criteria: PVS1, PM5_strong, PM2_supporting

Department of Clinical Genetics, Copenhagen University Hospital, Rigshospitalet
Classification: Pathogenic for Breast-ovarian cancer, familial, susceptibility to, 2. Last evaluated: 2024-05-27. Review status: criteria provided, single submitter. Criteria: ACMG Guidelines, 2015. Collection method: clinical testing. Allele origin: germline. Affected: yes.
Comment: PVS1; PM2_supporting; PM5_PTC_Strong